The following is an entry in ClinVar:

NM_001080508.3(TBX18):c.821G>A (p.Arg274His)

Gene: TBX18 (T-box transcription factor 18; minus strand). Cytogenetic location: 6q14.3.
Variant type: single nucleotide variant.
Coding change: c.821G>A on transcript NM_001080508.3 (MANE Select); coding-DNA position 821, G replaced by A.
Protein change: p.Arg274His; replaces arginine 274 with histidine.
Molecular consequence: missense variant.
Genome position (GRCh38, 1-based): chr6:84,748,038, C>T on the plus strand (G>A on the coding strand, the complement: TBX18 is on the minus strand). VCF-style: chr6-84748038-C-T. GRCh37 (hg19) VCF-style: chr6-85457756-C-T.
Other names: short protein forms R274H.
Identifiers: ClinVar variation 2723126 (VCV002723126.3), dbSNP rs200317774, ClinGen allele CA3910993.

ClinVar aggregate classification (germline): Uncertain significance (1 of 4 stars; one submission).

Allele frequency attached by ClinVar (database versions not stated): ESP Exome Variant Server 0.00008; 1000 Genomes Project 0.00020; 1000 Genomes Project 30x 0.00031.

Submission:

Labcorp Genetics (formerly Invitae), Labcorp
Classification: Uncertain significance. Last evaluated: 2023-07-25. Review status: criteria provided, single submitter. Criteria: Invitae Variant Classification Sherloc (09022015). Collection method: clinical testing. Allele origin: germline.
Comment: This variant has not been reported in the literature in individuals affected with TBX18-related conditions. This sequence change replaces arginine, which is basic and polar, with histidine, which is basic and polar, at codon 274 of the TBX18 protein (p.Arg274His). This variant is present in population databases (rs200317774, gnomAD 0.03%). Advanced modeling of protein sequence and biophysical properties (such as structural, functional, and spatial information, amino acid conservation, physicochemical variation, residue mobility, and thermodynamic stability) performed at Invitae indicates that this missense variant is expected to disrupt TBX18 protein function. In summary, the available evidence is currently insufficient to determine the role of this variant in disease. Therefore, it has been classified as a Variant of Uncertain Significance.